The following is an entry in ClinVar:

ClinVar aggregate classification (germline): Uncertain significance (1 of 4 stars; one submission).

Conditions:
COL4A3-related disorder. Also called: COL4A3-related condition; COL4A3-Related Disorders.

gnomAD v4.1: 2 of 1,613,728 alleles (0.00012%); highest among the groups gnomAD compares: Non-Finnish European, 0.00017%; no homozygotes.

Submission:

PreventionGenetics, part of Exact Sciences
Classification: Uncertain significance for COL4A3-related condition. Last evaluated: 2025-01-13. Review status: criteria provided, single submitter. Criteria: ACMG Guidelines, 2015. Collection method: clinical testing. Allele origin: germline.
Comment: The COL4A3 c.1904C>T variant is predicted to result in the amino acid substitution p.Ala635Val. To our knowledge, this variant has not been reported in the literature or in a large population database (gnomAD), indicating this variant is rare. At this time, the clinical significance of this variant is uncertain due to the absence of conclusive functional and genetic evidence.

NM_000091.5(COL4A3):c.1904C>T (p.Ala635Val)

Genes: COL4A3 (collagen type IV alpha 3 chain; plus strand), MFF-DT (MFF divergent transcript; minus strand). Cytogenetic location: 2q36.3.
Variant type: single nucleotide variant.
Coding change: c.1904C>T on transcript NM_000091.5 (MANE Select); coding-DNA position 1904, C replaced by T.
Protein change: p.Ala635Val; replaces alanine 635 with valine.
Molecular consequence: missense variant.
Genome position (GRCh38, 1-based): chr2:227,273,094, C>T. VCF-style: chr2-227273094-C-T. GRCh37 (hg19) VCF-style: chr2-228137810-C-T.
Other names: short protein forms A635V.
Identifiers: ClinVar variation 4989858 (VCV004989858.1).
Genomic context (GRCh38, chr2:227,273,094, plus strand): 5'-CACCTGGCTACGGACCCCAAGGAGAACCTGGTCTCCAGGGCACGCAAGGAGTTCCTGGAG[C>T]CCCCGGACCACCCGGAGAAGCCGGTTGGTTAGTTTTCTTTCCAGTCCTGTTTTCCGATGG-3'
Protein context (NP_000082.2, residues 625-645): GLQGTQGVPG[Ala635Val]PGPPGEAGPR